The following is an entry in ClinVar:

NM_005917.4(MDH1):c.357C>T (p.Tyr119=)

Genes: MDH1 (malate dehydrogenase 1; plus strand), WDPCP (WD repeat containing planar cell polarity effector; minus strand). Cytogenetic location: 2p15.
Variant type: single nucleotide variant.
Coding change: c.357C>T on transcript NM_005917.4 (MANE Select); coding-DNA position 357, C replaced by T.
Protein change: p.Tyr119=; no amino-acid change (tyrosine 119 retained).
Molecular consequence: synonymous variant.
Genome position (GRCh38, 1-based): chr2:63,597,556, C>T. VCF-style: chr2-63597556-C-T. GRCh37 (hg19) VCF-style: chr2-63824690-C-T.
Other names: c.411C>T, p.Tyr137= (NM_001199111.2); c.90C>T, p.Tyr30= (NM_001199112.2); c.357C>T, p.Tyr119= (NM_001316374.2).
Identifiers: ClinVar variation 2650999 (VCV002650999.24), dbSNP rs200076644, ClinGen allele CA1682806.

ClinVar aggregate classification (germline): Likely benign (1 of 4 stars; one submission).

Allele frequency attached by ClinVar (database versions not stated): TOPMed 0.00016; gnomAD 0.00019; ESP Exome Variant Server 0.00023; ExAC 0.00024; 1000 Genomes Project 30x 0.00031; 1000 Genomes Project 0.00040.
gnomAD v4.1: 388 of 1,420,556 alleles (0.027%); highest among the groups gnomAD compares: Middle Eastern, 0.075%; no homozygotes.

Submission:

CeGaT Center for Human Genetics Tuebingen
Classification: Likely benign. Last evaluated: 2025-02-01. Review status: criteria provided, single submitter. Criteria: CeGaT Center For Human Genetics Tuebingen Variant Classification Criteria Version 2. Collection method: clinical testing. Allele origin: germline. Affected: yes. Observed: 2 variant alleles.
Comment: MDH1: BP4, BP7